The following is an entry in ClinVar:

NM_178857.6(RP1L1):c.6812C>G (p.Pro2271Arg)

Gene: RP1L1 (RP1 like 1). Cytogenetic location: 8p23.1.
Variant type: single nucleotide variant.
Coding change: c.6812C>G on transcript NM_178857.6 (MANE Select); coding-DNA position 6812, C replaced by G.
Protein change: p.Pro2271Arg; replaces proline 2271 with arginine.
Molecular consequence: missense variant.
Genome position (GRCh38, 1-based): chr8:10,607,286, G>C on the plus strand (C>G on the coding strand, the complement: RP1L1 is on the minus strand). VCF-style: chr8-10607286-G-C. GRCh37 (hg19) VCF-style: chr8-10464796-G-C.
Other names: short protein forms P2271R.
Identifiers: ClinVar variation 361211 (VCV000361211.33), dbSNP rs183232880, ClinGen allele CA4623170.
Genomic context (GRCh38, chr8:10,607,286, plus strand): 5'-CTTTGGTGGGGAGTGTCTCCACCTGGGGAAGGGGGTGGAGTGGGCCTGTCCTCAGGGACT[G>C]GGCTGCTGCTTTCAGAAGCCTCCTCAGATTGGCCATCTCCTAGACTGACCTGAGGGCTCC-3'
Protein context (NP_849188.4, residues 2261-2281): QSEEASESSS[Pro2271Arg]VPEDRPTPPP

ClinVar aggregate classification (germline): Benign/Likely benign. Review status: criteria provided, multiple submitters, no conflicts (2 of 4 stars). 5 submissions from 5 submitters: Benign (2); Likely benign (1). 2 of the submissions do not count toward it. Last evaluated 2025-02-01.

Conditions:
Occult macular dystrophy (OCMD). Also called: OMD; OCCULT MACULAR DYSTROPHY, SUSCEPTIBILITY TO. Identifiers: Orphanet 247834, MedGen C3150833, MONDO:0013316, OMIM 613587, HP:0030636.

Allele frequency attached by ClinVar (database versions not stated): 1000 Genomes Project 30x 0.00062; 1000 Genomes Project 0.00080; TOPMed 0.00145; ESP Exome Variant Server 0.00188; gnomAD 0.00284 and 0.00297; ExAC 0.00316.
gnomAD v4.1: 4,274 of 1,614,230 alleles (0.26%); highest among the groups gnomAD compares: Non-Finnish European, 0.25%; 11 homozygotes.

Submissions (5):

CeGaT Center for Human Genetics Tuebingen
Classification: Benign. Last evaluated: 2025-02-01. Review status: criteria provided, single submitter. Criteria: CeGaT Center For Human Genetics Tuebingen Variant Classification Criteria Version 2. Collection method: clinical testing. Allele origin: germline. Affected: yes. Observed: 2 variant alleles.
Comment: RP1L1: BP4, BS1, BS2

Blueprint Genetics
Classification: Likely benign. Last evaluated: 2024-11-08. Review status: criteria provided, single submitter. Criteria: ACMG Guidelines, 2015. Collection method: clinical testing. Allele origin: germline.

Illumina Laboratory Services, Illumina
Classification: Benign for Occult macular dystrophy. Last evaluated: 2018-01-13. Review status: criteria provided, single submitter. Criteria: ICSL Variant Classification Criteria 13 December 2019. Collection method: clinical testing. Allele origin: germline.
Comment: This variant was observed in the ICSL laboratory as part of a predisposition screen in an ostensibly healthy population. It had not been previously curated by ICSL or reported in the Human Gene Mutation Database (HGMD: prior to June 1st, 2018), and was therefore a candidate for classification through an automated scoring system. Utilizing variant allele frequency, disease prevalence and penetrance estimates, and inheritance mode, an automated score was calculated to assess if this variant is too frequent to cause the disease. Based on the score and internal cut-off values, a variant classified as benign is not then subjected to further curation. The score for this variant resulted in a classification of benign for this disease.

Clinical Genetics DNA and cytogenetics Diagnostics Lab, Erasmus MC, Erasmus Medical Center
Classification: Likely benign. Review status: no assertion criteria provided. Collection method: clinical testing. Allele origin: germline. Affected: yes. Study: VKGL Data-share Consensus. Not counted in ClinVar's aggregate classification.

Clinical Genetics, Academic Medical Center
Classification: Benign. Review status: no assertion criteria provided. Collection method: clinical testing. Allele origin: germline. Affected: yes. Study: VKGL Data-share Consensus. Not counted in ClinVar's aggregate classification.